The following is an entry in ClinVar:

NM_001127453.2(GSDME):c.1385T>C (p.Leu462Pro)

Gene: GSDME (gasdermin E; minus strand). Cytogenetic location: 7p15.3.
Variant type: single nucleotide variant.
Coding change: c.1385T>C on transcript NM_001127453.2 (MANE Select); coding-DNA position 1385, T replaced by C.
Protein change: p.Leu462Pro; replaces leucine 462 with proline.
Molecular consequence: missense variant.
Genome position (GRCh38, 1-based): chr7:24,699,132, A>G on the plus strand (T>C on the coding strand, the complement: GSDME is on the minus strand). VCF-style: chr7-24699132-A-G. GRCh37 (hg19) VCF-style: chr7-24738751-A-G.
Other names: c.1385T>C, p.Leu462Pro (NM_004403.3); c.893T>C, p.Leu298Pro (NM_001127454.2); short protein forms L462P, L298P.
Identifiers: ClinVar variation 3691060 (VCV003691060.2).

ClinVar aggregate classification (germline): Uncertain significance (1 of 4 stars; one submission).

Submission:

Labcorp Genetics (formerly Invitae), Labcorp
Classification: Uncertain significance. Last evaluated: 2024-02-13. Review status: criteria provided, single submitter. Criteria: Invitae Variant Classification Sherloc (09022015). Collection method: clinical testing. Allele origin: germline.
Comment: This sequence change replaces leucine, which is neutral and non-polar, with proline, which is neutral and non-polar, at codon 462 of the DFNA5 protein (p.Leu462Pro). This variant is not present in population databases (gnomAD no frequency). This variant has not been reported in the literature in individuals affected with DFNA5-related conditions. Advanced modeling of protein sequence and biophysical properties (such as structural, functional, and spatial information, amino acid conservation, physicochemical variation, residue mobility, and thermodynamic stability) performed at Invitae indicates that this missense variant is not expected to disrupt DFNA5 protein function with a negative predictive value of 80%. In summary, the available evidence is currently insufficient to determine the role of this variant in disease. Therefore, it has been classified as a Variant of Uncertain Significance.